The following is an entry in ClinVar:

NM_130839.5(UBE3A):c.940C>T (p.Pro314Ser)

Genes: SNHG14 (small nucleolar RNA host gene 14; plus strand), UBE3A (ubiquitin protein ligase E3A; minus strand). Cytogenetic location: 15q11.2.
Variant type: single nucleotide variant.
Coding change: c.940C>T on transcript NM_130839.5 (MANE Select); coding-DNA position 940, C replaced by T.
Protein change: p.Pro314Ser; replaces proline 314 with serine.
Molecular consequence: missense variant. On other transcripts: non-coding transcript variant (1), intron variant (2).
Genome position (GRCh38, 1-based): chr15:25,371,234, G>A on the plus strand (C>T on the coding strand, the complement: UBE3A is on the minus strand). VCF-style: chr15-25371234-G-A. GRCh37 (hg19) VCF-style: chr15-25616381-G-A.
Other names: c.949C>T, p.Pro317Ser (NM_000462.5); c.940C>T, p.Pro314Ser (NM_001354505.1, NM_001354538.2, NM_001354545.2); c.880C>T, p.Pro294Ser (NM_001354506.2, NM_001354507.2, NM_001354508.2 and 17 more transcripts); c.301+4231C>T (NM_001354551.2); c.361+4231C>T (NM_001354550.2); c.763C>T, p.Pro255Ser (NM_001354546.2); short protein forms P255S, P294S, P314S, P317S.
Identifiers: ClinVar variation 4976454 (VCV004976454.2).

ClinVar aggregate classification (germline): Uncertain significance (1 of 4 stars; one submission).

Submission:

GeneDx
Classification: Uncertain significance. Last evaluated: 2026-10-19. Review status: criteria provided, single submitter. Criteria: GeneDx Variant Classification Process June 2021. Collection method: clinical testing. Allele origin: germline.
Comment: Not observed at significant frequency in large population cohorts (gnomAD); In silico analysis supports that this missense variant has a deleterious effect on protein structure/function; Has not been previously published as pathogenic or benign to our knowledge